The following is an entry in ClinVar:

ClinVar aggregate classification (germline): Uncertain significance (1 of 4 stars; one submission).

Submission:

Labcorp Genetics (formerly Invitae), Labcorp
Classification: Uncertain significance. Last evaluated: 2022-05-07. Review status: criteria provided, single submitter. Criteria: Invitae Variant Classification Sherloc (09022015). Collection method: clinical testing. Allele origin: germline.
Comment: In summary, the available evidence is currently insufficient to determine the role of this variant in disease. Therefore, it has been classified as a Variant of Uncertain Significance. Advanced modeling of protein sequence and biophysical properties (such as structural, functional, and spatial information, amino acid conservation, physicochemical variation, residue mobility, and thermodynamic stability) performed at Invitae indicates that this missense variant is not expected to disrupt COL27A1 protein function. This variant has not been reported in the literature in individuals affected with COL27A1-related conditions. This variant is not present in population databases (gnomAD no frequency). This sequence change replaces leucine, which is neutral and non-polar, with phenylalanine, which is neutral and non-polar, at codon 337 of the COL27A1 protein (p.Leu337Phe).

NM_032888.4(COL27A1):c.1009C>T (p.Leu337Phe)

Gene: COL27A1 (collagen type XXVII alpha 1 chain; plus strand). Cytogenetic location: 9q32.
Variant type: single nucleotide variant.
Coding change: c.1009C>T on transcript NM_032888.4 (MANE Select); coding-DNA position 1009, C replaced by T.
Protein change: p.Leu337Phe; replaces leucine 337 with phenylalanine.
Molecular consequence: missense variant.
Genome position (GRCh38, 1-based): chr9:114,168,564, C>T. VCF-style: chr9-114168564-C-T. GRCh37 (hg19) VCF-style: chr9-116930844-C-T.
Other names: short protein forms L337F.
Identifiers: ClinVar variation 2135165 (VCV002135165.4), dbSNP rs2490563556, ClinGen allele CA374593078.